The following is an entry in ClinVar:

ClinVar aggregate classification (germline): Uncertain significance (0 of 4 stars; one submission).

Conditions:
Neurodevelopmental disorder with or without early-onset generalized epilepsy. Identifiers: MedGen C5436914, MONDO:0030930, OMIM 619157.

gnomAD v4.1: 1 of 1,445,844 alleles (0.000069%); highest among the groups gnomAD compares: South Asian, 0.0017%; no homozygotes.

Submission:

Hong-Tao Li Lab, Institute of Brain Science and Brain-inspired Research, Shandong First Medical University & Shandong Academy of Medical Sciences China
Classification: Uncertain significance for Neurodevelopmental disorder with or without early-onset generalized epilepsy. Review status: no assertion criteria provided. Collection method: research. Allele origin: germline. Inheritance: Autosomal dominant inheritance. Affected: yes. Observed: 1 variant allele, 1 heterozygote.
Comment: Observed in affected individuals from a Pakistani neurodevelopmental-disorder research cohort of 263 individuals. Classification assigned using the ACMG/AMP framework.

NM_001385012.1(NBEA):c.6014C>A (p.Ser2005Ter)

Gene: NBEA (neurobeachin; plus strand). Cytogenetic location: 13q13.3.
Variant type: single nucleotide variant.
Coding change: c.6014C>A on transcript NM_001385012.1 (MANE Select); coding-DNA position 6014, C replaced by A.
Protein change: p.Ser2005Ter; replaces serine 2005 with a stop codon.
Molecular consequence: nonsense.
Genome position (GRCh38, 1-based): chr13:35,352,158, C>A. VCF-style: chr13-35352158-C-A. GRCh37 (hg19) VCF-style: chr13-35926295-C-A.
Other names: c.6005C>A, p.Ser2002Ter (NM_001379245.1); c.6014C>A, p.Ser2005Ter (NM_015678.5); short protein forms S2002*, S2005*.
Identifiers: ClinVar variation 4884836 (VCV004884836.1).
Genomic context (GRCh38, chr13:35,352,158, plus strand): 5'-ATCCTTACTTATATGCAGTAAAAAGTTTATTATTATGCATCATTTGTATTTCTTTATAGT[C>A]ACAGTGTGCCCAATATGCTGCTGATAGAAGAGAGGAAGAAAAGATGTGTGACCATCTTAT-3'